The following is an entry in ClinVar:

ClinVar aggregate classification (germline): Benign. Review status: criteria provided, multiple submitters, no conflicts (2 of 4 stars). 9 submissions from 9 submitters: Benign (7). 2 of the submissions do not count toward it. Last evaluated 2026-02-04.

Conditions:
Autosomal recessive limb-girdle muscular dystrophy type R18 (LGMDR18). Also called: MUSCULAR DYSTROPHY, LIMB-GIRDLE, AUTOSOMAL RECESSIVE 18; Limb-girdle muscular dystrophy, type 2S; Autosomal recessive limb-girdle muscular dystrophy type 2S. Identifiers: Orphanet 369840, MedGen C4517996, MONDO:0014144, OMIM 615356.

Allele frequency attached by ClinVar (database versions not stated): gnomAD exomes 0.21736 and 0.23000; ExAC 0.22028; 1000 Genomes Project 0.22304; 1000 Genomes Project 30x 0.22548; TOPMed 0.24280; gnomAD 0.24647 and 0.25098; ESP Exome Variant Server 0.25750.
gnomAD v4.1: 372,370 of 1,613,170 alleles (23%); highest among the groups gnomAD compares: African/African-American, 31%; 44,446 homozygotes.

Submissions (9):

Labcorp Genetics (formerly Invitae), Labcorp
Classification: Benign for Autosomal recessive limb-girdle muscular dystrophy type R18. Last evaluated: 2026-02-04. Review status: criteria provided, single submitter. Criteria: Invitae Variant Classification Sherloc (09022015). Collection method: clinical testing. Allele origin: germline.

Mayo Clinic Laboratories, Mayo Clinic
Classification: Benign. Last evaluated: 2022-04-14. Review status: criteria provided, single submitter. Criteria: ACMG Guidelines, 2015. Collection method: clinical testing. Allele origin: germline. Observed: 294 variant alleles.

Genome-Nilou Lab
Classification: Benign for Autosomal recessive limb-girdle muscular dystrophy type R18. Last evaluated: 2021-09-10. Review status: criteria provided, single submitter. Criteria: ACMG Guidelines, 2015. Collection method: clinical testing. Allele origin: germline. Affected: no.

Athena Diagnostics
Classification: Benign. Last evaluated: 2018-09-24. Review status: criteria provided, single submitter. Criteria: Athena Diagnostics Criteria. Collection method: clinical testing. Allele origin: germline.

GeneDx
Classification: Benign. Last evaluated: 2018-06-14. Review status: criteria provided, single submitter. Criteria: GeneDx Variant Classification (06012015). Collection method: clinical testing. Allele origin: germline. Affected: yes.
Comment: This variant is considered likely benign or benign based on one or more of the following criteria: it is a conservative change, it occurs at a poorly conserved position in the protein, it is predicted to be benign by multiple in silico algorithms, and/or has population frequency not consistent with disease.

Breakthrough Genomics
Classification: Benign. Review status: criteria provided, single submitter. Criteria: ACMG Guidelines, 2015. Collection method: not provided. Allele origin: germline. Inheritance: Autosomal recessive inheritance. Affected: yes.

PreventionGenetics, part of Exact Sciences
Classification: Benign. Review status: criteria provided, single submitter. Criteria: ACMG Guidelines, 2015. Collection method: clinical testing. Allele origin: germline.

Clinical Genetics, Academic Medical Center
Classification: Benign. Review status: no assertion criteria provided. Collection method: clinical testing. Allele origin: germline. Affected: yes. Study: VKGL Data-share Consensus. Not counted in ClinVar's aggregate classification.

Joint Genome Diagnostic Labs from Nijmegen and Maastricht, Radboudumc and MUMC+
Classification: Benign. Review status: no assertion criteria provided. Collection method: clinical testing. Allele origin: germline. Affected: yes. Study: VKGL Data-share Consensus. Not counted in ClinVar's aggregate classification.

NM_021942.6(TRAPPC11):c.2370C>T (p.Thr790=)

Genes: TRAPPC11 (trafficking protein particle complex subunit 11; plus strand), LOC126807238 (BRD4-independent group 4 enhancer GRCh37_chr4:184614366-184615565; plus strand). Cytogenetic location: 4q35.1.
Variant type: single nucleotide variant.
Coding change: c.2370C>T on transcript NM_021942.6 (MANE Select); coding-DNA position 2370, C replaced by T.
Protein change: p.Thr790=; no amino-acid change (threonine 790 retained).
Molecular consequence: synonymous variant.
Genome position (GRCh38, 1-based): chr4:183,693,721, C>T. VCF-style: chr4-183693721-C-T. GRCh37 (hg19) VCF-style: chr4-184614874-C-T.
Other names: p.Thr790=; c.2370C>T, p.Thr790= (NM_199053.3).
Identifiers: ClinVar variation 261446 (VCV000261446.22), dbSNP rs4862234, ClinGen allele CA3152163.